The following is an entry in ClinVar:

NM_005795.6(CALCRL):c.2T>C (p.Met1Thr)

Genes: CALCRL (calcitonin receptor like receptor; minus strand), CALCRL-AS1 (CALCRL and TFPI antisense RNA 1; plus strand). Cytogenetic location: 2q32.1.
Variant type: single nucleotide variant.
Coding change: c.2T>C on transcript NM_005795.6 (MANE Select); coding-DNA position 2, T replaced by C.
Protein change: p.Met1Thr; changes the start codon (methionine 1).
Molecular consequence: missense variant, initiator codon variant.
Genome position (GRCh38, 1-based): chr2:187,385,594, A>G on the plus strand (T>C on the coding strand, the complement: CALCRL is on the minus strand). VCF-style: chr2-187385594-A-G. GRCh37 (hg19) VCF-style: chr2-188250321-A-G.
Other names: c.2T>C, p.Met1Thr (NM_001271751.2, NM_001369434.1, NM_001369435.1); short protein forms M1T.
Identifiers: ClinVar variation 4882055 (VCV004882055.2).
Genomic context (GRCh38, chr2:187,385,594, plus strand): 5'-TTTATGCTTACCATAAAAAAAGGCAAGAGAACCAGAAAATACAGGGTACACTTTTTCTCC[A>G]TCATTAAGCCAAAATGAAATATGCTGTATAACATAAACTGCAACAGAAAATAAAAGAAAT-3'
Protein context (NP_005786.1, residues 1-11): [Met1Thr]EKKCTLYFLV

ClinVar aggregate classification (germline): Uncertain significance (1 of 4 stars; one submission).

Submission:

Dasa
Classification: Uncertain significance. Last evaluated: 2025-05-20. Review status: criteria provided, single submitter. Criteria: DASA Assertion Criteria. Collection method: clinical testing. Allele origin: germline.
Comment: NM_005795.6(CALCRL):c.2T>C (p.Met1?) is a start-loss variant predicted to alter the translation initiation codon and impair normal protein translation. This variant has been observed in affected individuals with CALCRL-related disorders. Also, this variant is rare in population databases. The currently available literature and clinical evidence are not sufficient to establish a definitive association between this variant and the reported condition. Therefore, this variant is classified as a variant of uncertain significance.